The following is an entry in ClinVar:

NM_001318895.3(FHL2):c.191C>T (p.Ala64Val)

Genes: C2orf49 (chromosome 2 open reading frame 49; plus strand), FHL2 (four and a half LIM domains 2; minus strand). Cytogenetic location: 2q12.2.
Variant type: single nucleotide variant.
Coding change: c.191C>T on transcript NM_001318895.3 (MANE Select); coding-DNA position 191, C replaced by T.
Protein change: p.Ala64Val; replaces alanine 64 with valine.
Molecular consequence: missense variant. On other transcripts: intron variant (2), 5 prime UTR variant (1).
Genome position (GRCh38, 1-based): chr2:105,373,699, G>A on the plus strand (C>T on the coding strand, the complement: FHL2 is on the minus strand). VCF-style: chr2-105373699-G-A. GRCh37 (hg19) VCF-style: chr2-105990156-G-A.
Other names: c.191C>T, p.Ala64Val (NM_201557.5, NM_001318896.2, NM_001039492.3 and 4 more transcripts); c.-11-5960C>T (NM_001318897.2, NM_001318898.2); c.-134C>T (NM_001318899.2); short protein forms A64V.
Identifiers: ClinVar variation 2164211 (VCV002164211.4), dbSNP rs533310258, ClinGen allele CA1814801.

ClinVar aggregate classification (germline): Uncertain significance (1 of 4 stars; one submission).

Conditions:
Primary dilated cardiomyopathy (DCM). Also called: Dilated Cardiomyopathy. Identifiers: Orphanet 217604, MedGen C0007193, MeSH D002311, MONDO:0005021, HP:0001644. Inheritance: Various modes of inheritance.

gnomAD v4.1: 5 of 1,614,190 alleles (0.00031%); highest among the groups gnomAD compares: Non-Finnish European, 0.00042%; no homozygotes.

Submission:

Labcorp Genetics (formerly Invitae), Labcorp
Classification: Uncertain significance for Primary dilated cardiomyopathy. Last evaluated: 2022-10-13. Review status: criteria provided, single submitter. Criteria: Invitae Variant Classification Sherloc (09022015). Collection method: clinical testing. Allele origin: germline.
Comment: Algorithms developed to predict the effect of missense changes on protein structure and function (SIFT, PolyPhen-2, Align-GVGD) all suggest that this variant is likely to be tolerated. This variant has not been reported in the literature in individuals affected with FHL2-related conditions. This variant is present in population databases (rs533310258, gnomAD 0.0009%). This sequence change replaces alanine, which is neutral and non-polar, with valine, which is neutral and non-polar, at codon 64 of the FHL2 protein (p.Ala64Val). In summary, the available evidence is currently insufficient to determine the role of this variant in disease. Therefore, it has been classified as a Variant of Uncertain Significance.